The following is an entry in ClinVar:

NM_001330063.2(ANKFY1):c.2682C>T (p.His894=)

Gene: ANKFY1 (ankyrin repeat and FYVE domain containing 1; minus strand). Cytogenetic location: 17p13.2.
Variant type: single nucleotide variant.
Coding change: c.2682C>T on transcript NM_001330063.2 (MANE Select); coding-DNA position 2682, C replaced by T.
Protein change: p.His894=; no amino-acid change (histidine 894 retained).
Molecular consequence: synonymous variant. On other transcripts: non-coding transcript variant (1).
Genome position (GRCh38, 1-based): chr17:4,177,219, G>A on the plus strand (C>T on the coding strand, the complement: ANKFY1 is on the minus strand). VCF-style: chr17-4177219-G-A. GRCh37 (hg19) VCF-style: chr17-4080514-G-A.
Other names: c.2808C>T, p.His936= (NM_001257999.3); c.2685C>T, p.His895= (NM_016376.5).
Identifiers: ClinVar variation 3904954 (VCV003904954.10).

ClinVar aggregate classification (germline): Likely benign (1 of 4 stars; one submission).

gnomAD v4.1: 544 of 1,608,604 alleles (0.034%); highest among the groups gnomAD compares: Non-Finnish European, 0.044%; no homozygotes.

Submission:

CeGaT Center for Human Genetics Tuebingen
Classification: Likely benign. Last evaluated: 2025-05-01. Review status: criteria provided, single submitter. Criteria: CeGaT Center For Human Genetics Tuebingen Variant Classification Criteria Version 2. Collection method: clinical testing. Allele origin: germline. Affected: yes. Observed: 1 variant allele.
Comment: ANKFY1: BP4, BP7